The following is an entry in ClinVar:

NM_001385641.1(SAMD11):c.1820C>G (p.Pro607Arg)

Gene: SAMD11 (sterile alpha motif domain containing 11; plus strand). Cytogenetic location: 1p36.33.
Variant type: single nucleotide variant.
Coding change: c.1820C>G on transcript NM_001385641.1 (MANE Select); coding-DNA position 1820, C replaced by G.
Protein change: p.Pro607Arg; replaces proline 607 with arginine.
Molecular consequence: missense variant.
Genome position (GRCh38, 1-based): chr1:942,825, C>G. VCF-style: chr1-942825-C-G. GRCh37 (hg19) VCF-style: chr1-878205-C-G.
Other names: c.1823C>G, p.Pro608Arg (NM_001385640.1); c.1331C>G, p.Pro444Arg (NM_152486.4); c.1331C>G (NM_152486.2); short protein forms P444R, P607R, P608R.
Identifiers: ClinVar variation 1378233 (VCV001378233.5), dbSNP rs1010876057, ClinGen allele CA16725168.

ClinVar aggregate classification (germline): Uncertain significance. Review status: criteria provided, multiple submitters, no conflicts (2 of 4 stars). 2 submissions from 2 submitters: Uncertain significance (2). Last evaluated 2024-10-06.

Allele frequency attached by ClinVar (database versions not stated): gnomAD exomes 0.00002; gnomAD 0.00014; 1000 Genomes Project 30x 0.00016; TOPMed 0.00019.
gnomAD v4.1: 30 of 1,549,242 alleles (0.0019%); highest among the groups gnomAD compares: African/African-American, 0.029%; no homozygotes.

Submissions (2):

Ambry Genetics
Classification: Uncertain significance. Last evaluated: 2024-10-06. Review status: criteria provided, single submitter. Criteria: Ambry Variant Classification Scheme 2023. Collection method: clinical testing. Allele origin: germline.

Labcorp Genetics (formerly Invitae), Labcorp
Classification: Uncertain significance. Last evaluated: 2023-08-10. Review status: criteria provided, single submitter. Criteria: Invitae Variant Classification Sherloc (09022015). Collection method: clinical testing. Allele origin: germline.
Comment: This sequence change replaces proline, which is neutral and non-polar, with arginine, which is basic and polar, at codon 444 of the SAMD11 protein (p.Pro444Arg). This variant is present in population databases (no rsID available, gnomAD 0.01%). This variant has not been reported in the literature in individuals affected with SAMD11-related conditions. ClinVar contains an entry for this variant (Variation ID: 1378233). An algorithm developed to predict the effect of missense changes on protein structure and function (PolyPhen-2) suggests that this variant¬†is likely to be tolerated. In summary, the available evidence is currently insufficient to determine the role of this variant in disease. Therefore, it has been classified as a Variant of Uncertain Significance.